The following is an entry in ClinVar:

ClinVar aggregate classification (germline): Benign. Review status: criteria provided, multiple submitters, no conflicts (2 of 4 stars). 3 submissions from 3 submitters: Benign (3). Last evaluated 2023-11-12.

Allele frequency attached by ClinVar (database versions not stated): 1000 Genomes Project 30x 0.38148; 1000 Genomes Project 0.37001; TOPMed 0.40608.
gnomAD v4.1: 426,425 of 1,442,726 alleles (30%); highest among the groups gnomAD compares: African/African-American, 72%; 71,328 homozygotes.

Submissions (3):

Unidad de Genómica Garrahan, Hospital de Pediatría Garrahan
Classification: Benign. Last evaluated: 2023-11-12. Review status: criteria provided, single submitter. Criteria: ACMG Guidelines, 2015. Collection method: clinical testing. Allele origin: germline. Affected: no. Observed: 45 variant alleles.
Comment: This variant is classified as Benign based on local population frequency. This variant was detected in 47% of patients studied by a panel of primary immunodeficiencies. Number of patients: 45. Only high quality variants are reported.

GeneDx
Classification: Benign. Last evaluated: 2021-05-14. Review status: criteria provided, single submitter. Criteria: GeneDx Variant Classification Process June 2021. Collection method: clinical testing. Allele origin: germline. Affected: yes.

Breakthrough Genomics
Classification: Benign. Review status: criteria provided, single submitter. Criteria: ACMG Guidelines, 2015. Collection method: not provided. Allele origin: germline. Inheritance: Autosomal dominant inheritance. Affected: yes.

NM_002661.5(PLCG2):c.3198+74A>G

Gene: PLCG2 (phospholipase C gamma 2; plus strand). Cytogenetic location: 16q23.3.
Variant type: single nucleotide variant.
Coding change: c.3198+74A>G on transcript NM_002661.5 (MANE Select); 74 bases into the intron after coding-DNA position 3198, A replaced by G.
Molecular consequence: intron variant.
Genome position (GRCh38, 1-based): chr16:81,937,977, A>G. VCF-style: chr16-81937977-A-G. GRCh37 (hg19) VCF-style: chr16-81971582-A-G.
Identifiers: ClinVar variation 1279634 (VCV001279634.4), dbSNP rs4258608, ClinGen allele CA14270815.